The following is an entry in ClinVar:

ClinVar aggregate classification (germline): Uncertain significance (1 of 4 stars; one submission).

Allele frequency attached by ClinVar (database versions not stated): gnomAD exomes below 0.00001; gnomAD 0.00001; TOPMed 0.00004.
gnomAD v4.1: 4 of 1,613,996 alleles (0.00025%); highest among the groups gnomAD compares: Middle Eastern, 0.016%; no homozygotes.

Submission:

Labcorp Genetics (formerly Invitae), Labcorp
Classification: Uncertain significance. Last evaluated: 2021-03-11. Review status: criteria provided, single submitter. Criteria: Invitae Variant Classification Sherloc (09022015). Collection method: clinical testing. Allele origin: germline.
Comment: Algorithms developed to predict the effect of sequence changes on RNA splicing suggest that this variant may create or strengthen a splice site, but this prediction has not been confirmed by published transcriptional studies. In summary, the available evidence is currently insufficient to determine the role of this variant in disease. Therefore, it has been classified as a Variant of Uncertain Significance. This variant has not been reported in the literature in individuals with PPIB-related conditions. This variant is not present in population databases (ExAC no frequency). This sequence change affects codon 170 of the PPIB mRNA. It is a 'silent' change, meaning that it does not change the encoded amino acid sequence of the PPIB protein.

NM_000942.5(PPIB):c.510C>T (p.Gly170=)

Genes: SNX22 (sorting nexin 22; plus strand), PPIB (peptidylprolyl isomerase B; minus strand). Cytogenetic location: 15q22.31.
Variant type: single nucleotide variant.
Coding change: c.510C>T on transcript NM_000942.5 (MANE Select); coding-DNA position 510, C replaced by T.
Protein change: p.Gly170=; no amino-acid change (glycine 170 retained).
Molecular consequence: synonymous variant. On other transcripts: 3 prime UTR variant (1), non-coding transcript variant (1).
Genome position (GRCh38, 1-based): chr15:64,156,743, G>A on the plus strand (C>T on the coding strand, the complement: PPIB is on the minus strand). VCF-style: chr15-64156743-G-A. GRCh37 (hg19) VCF-style: chr15-64448942-G-A.
Other names: c.*2235G>A (NM_024798.3).
Identifiers: ClinVar variation 1419647 (VCV001419647.8), dbSNP rs1288500048, ClinGen allele CA490812141.